The following is an entry in ClinVar:

ClinVar aggregate classification (germline): Conflicting classifications of pathogenicity. Review status: criteria provided, conflicting classifications (1 of 4 stars). 6 submissions from 6 submitters: Uncertain significance (1); Benign (1); Likely benign (4). Last evaluated 2025-11-23.

Conditions:
MYLK2-related disorder. Also called: MYLK2-related condition.
Hypertrophic cardiomyopathy 1 (CMH1). Also called: MYH7-Related Familial Hypertrophic Cardiomyopathy; Familial hypertrophic cardiomyopathy 1. Identifiers: MedGen C3495498, MONDO:0008647, OMIM 192600.

Allele frequency attached by ClinVar (database versions not stated): ExAC 0.00016; 1000 Genomes Project 30x 0.00031; 1000 Genomes Project 0.00040; TOPMed 0.00043; gnomAD 0.00048 and 0.00051; ESP Exome Variant Server 0.00062; gnomAD exomes 0.00003 and 0.00009.
gnomAD v4.1: 119 of 1,613,042 alleles (0.0074%); highest among the groups gnomAD compares: African/African-American, 0.15%; no homozygotes.

Submissions (6):

Labcorp Genetics (formerly Invitae), Labcorp
Classification: Likely benign for Hypertrophic cardiomyopathy 1. Last evaluated: 2025-11-23. Review status: criteria provided, single submitter. Criteria: Invitae Variant Classification Sherloc (09022015). Collection method: clinical testing. Allele origin: germline.

PreventionGenetics, part of Exact Sciences
Classification: Likely benign for MYLK2-related condition. Last evaluated: 2025-02-05. Review status: criteria provided, single submitter. Criteria: ACMG Guidelines, 2015. Collection method: clinical testing. Allele origin: germline.
Comment: This variant is classified as likely benign based on ACMG/AMP sequence variant interpretation guidelines (Richards et al. 2015 PMID: 25741868, with internal and published modifications).

Women's Health and Genetics/Laboratory Corporation of America, LabCorp
Classification: Likely benign. Last evaluated: 2025-02-03. Review status: criteria provided, single submitter. Criteria: LabCorp Variant Classification Summary - May 2015. Collection method: clinical testing. Allele origin: germline.

Laboratorio de Genetica e Diagnostico Molecular, Hospital Israelita Albert Einstein
Classification: Uncertain significance for Hypertrophic cardiomyopathy 1. Last evaluated: 2022-06-06. Review status: criteria provided, single submitter. Criteria: ACMG Guidelines, 2015. Collection method: clinical testing. Allele origin: germline. Affected: yes.
Comment: ACMG classification criteria: BP4 supporting

Laboratory for Molecular Medicine, Mass General Brigham Personalized Medicine
Classification: Benign. Last evaluated: 2020-06-15. Review status: criteria provided, single submitter. Criteria: LMM Criteria. Collection method: clinical testing. Allele origin: germline. Observed: 1 variant allele.
Comment: The p.Ala593Val variant in MYLK2 is classified as benign because it has been identified in 0.16% (41/24934) of African chromosomes by gnomAD. ACMG/AMP Criteria applied: BA1.

GeneDx
Classification: Likely benign. Last evaluated: 2018-10-05. Review status: criteria provided, single submitter. Criteria: GeneDx Variant Classification Process June 2021. Collection method: clinical testing. Allele origin: germline. Affected: yes.

NM_033118.4(MYLK2):c.1778C>T (p.Ala593Val)

Gene: MYLK2 (myosin light chain kinase 2; plus strand). Cytogenetic location: 20q11.21.
Variant type: single nucleotide variant.
Coding change: c.1778C>T on transcript NM_033118.4 (MANE Select); coding-DNA position 1778, C replaced by T.
Protein change: p.Ala593Val; replaces alanine 593 with valine.
Molecular consequence: missense variant.
Genome position (GRCh38, 1-based): chr20:31,833,784, C>T. VCF-style: chr20-31833784-C-T. GRCh37 (hg19) VCF-style: chr20-30421587-C-T.
Other names: short protein forms A593V.
Identifiers: ClinVar variation 413772 (VCV000413772.22), dbSNP rs146497334, ClinGen allele CA9803336.